The following is an entry in ClinVar:

NM_018993.4(RIN2):c.1019A>G (p.His340Arg)

Gene: RIN2 (Ras and Rab interactor 2; plus strand). Cytogenetic location: 20p11.23.
Variant type: single nucleotide variant.
Coding change: c.1019A>G on transcript NM_018993.4 (MANE Select); coding-DNA position 1019, A replaced by G.
Protein change: p.His340Arg; replaces histidine 340 with arginine.
Molecular consequence: missense variant.
Genome position (GRCh38, 1-based): chr20:19,975,044, A>G. VCF-style: chr20-19975044-A-G. GRCh37 (hg19) VCF-style: chr20-19955688-A-G.
Other names: c.1166A>G, p.His389Arg (NM_001242581.2); c.401A>G, p.His134Arg (NM_001378238.1); c.1019A>G (NM_018993.3); short protein forms H340R, H134R, H389R.
Identifiers: ClinVar variation 1447737 (VCV001447737.32), dbSNP rs750158644, ClinGen allele CA9779996.

ClinVar aggregate classification (germline): Uncertain significance. Review status: criteria provided, multiple submitters, no conflicts (2 of 4 stars). 4 submissions from 4 submitters: Uncertain significance (4). Last evaluated 2026-01-12.

Conditions:
Inborn genetic diseases. Identifiers: MedGen C0950123, MeSH D030342.
RIN2 syndrome. Also called: MACS SYNDROME; TALL FOREHEAD, SPARSE HAIR, SKIN HYPEREXTENSIBILITY, AND SCOLIOSIS. Identifiers: Orphanet 217335, MedGen C2751321, MONDO:0013115, OMIM 613075.

Allele frequency attached by ClinVar (database versions not stated): gnomAD 0.00001 and 0.00003; TOPMed 0.00005; gnomAD exomes 0.00010 and 0.00016; ExAC 0.00014.
gnomAD v4.1: 149 of 1,611,608 alleles (0.0092%); highest among the groups gnomAD compares: South Asian, 0.066%; 1 homozygote.

Submissions (4):

Labcorp Genetics (formerly Invitae), Labcorp
Classification: Uncertain significance. Last evaluated: 2026-01-12. Review status: criteria provided, single submitter. Criteria: Invitae Variant Classification Sherloc (09022015). Collection method: clinical testing. Allele origin: germline.
Comment: This sequence change replaces histidine, which is basic and polar, with arginine, which is basic and polar, at codon 340 of the RIN2 protein (p.His340Arg). This variant is present in population databases (rs750158644, gnomAD 0.09%). This variant has not been reported in the literature in individuals affected with RIN2-related conditions. ClinVar contains an entry for this variant (Variation ID: 1447737). Experimental studies and prediction algorithms are not available or were not evaluated, and the functional significance of this variant is currently unknown. In summary, the available evidence is currently insufficient to determine the role of this variant in disease. Therefore, it has been classified as a Variant of Uncertain Significance.

Genomic Medicine Center of Excellence, King Faisal Specialist Hospital and Research Centre
Classification: Uncertain significance for RIN2 syndrome. Last evaluated: 2024-03-26. Review status: criteria provided, single submitter. Criteria: ACMG Guidelines, 2015. Collection method: clinical testing. Allele origin: germline.

CeGaT Center for Human Genetics Tuebingen
Classification: Uncertain significance. Last evaluated: 2023-04-01. Review status: criteria provided, single submitter. Criteria: CeGaT Center For Human Genetics Tuebingen Variant Classification Criteria Version 2. Collection method: clinical testing. Allele origin: germline. Affected: yes. Observed: 2 variant alleles.
Comment: RIN2: PM2, BP4

Ambry Genetics
Classification: Uncertain significance for Inborn genetic diseases. Last evaluated: 2021-10-12. Review status: criteria provided, single submitter. Criteria: Ambry Variant Classification Scheme 2023. Collection method: clinical testing. Allele origin: germline.